The following is an entry in ClinVar:

ClinVar aggregate classification (germline): Uncertain significance (1 of 4 stars; one submission).

Conditions:
Charcot-Marie-Tooth disease type 2B (CMT2B). Also called: CHARCOT-MARIE-TOOTH DISEASE, AXONAL, TYPE 2B; CHARCOT-MARIE-TOOTH DISEASE, AUTOSOMAL DOMINANT, TYPE 2B; HEREDITARY MOTOR AND SENSORY NEUROPATHY IIB; Charcot-Marie-Tooth Neuropathy Type 2B. Identifiers: Orphanet 99936, MedGen C1833219, MONDO:0010949, OMIM 600882.

gnomAD v4.1: 1 of 1,614,200 alleles (0.000062%); highest among the groups gnomAD compares: Admixed American, 0.0017%; no homozygotes.

Submission:

Labcorp Genetics (formerly Invitae), Labcorp
Classification: Uncertain significance for Charcot-Marie-Tooth disease type 2B. Last evaluated: 2024-10-16. Review status: criteria provided, single submitter. Criteria: Invitae Variant Classification Sherloc (09022015). Collection method: clinical testing. Allele origin: germline.
Comment: This sequence change replaces proline, which is neutral and non-polar, with threonine, which is neutral and polar, at codon 150 of the RAB7A protein (p.Pro150Thr). This variant is not present in population databases (gnomAD no frequency). This variant has not been reported in the literature in individuals affected with RAB7A-related conditions. ClinVar contains an entry for this variant (Variation ID: 963168). An algorithm developed to predict the effect of missense changes on protein structure and function (PolyPhen-2) suggests that this variant is likely to be tolerated. In summary, the available evidence is currently insufficient to determine the role of this variant in disease. Therefore, it has been classified as a Variant of Uncertain Significance.

NM_004637.6(RAB7A):c.448C>A (p.Pro150Thr)

Gene: RAB7A (RAB7A, member RAS oncogene family; plus strand). Cytogenetic location: 3q21.3.
Variant type: single nucleotide variant.
Coding change: c.448C>A on transcript NM_004637.6 (MANE Select); coding-DNA position 448, C replaced by A.
Protein change: p.Pro150Thr; replaces proline 150 with threonine.
Molecular consequence: missense variant.
Genome position (GRCh38, 1-based): chr3:128,807,591, C>A. VCF-style: chr3-128807591-C-A. GRCh37 (hg19) VCF-style: chr3-128526434-C-A.
Other names: short protein forms P150T.
Identifiers: ClinVar variation 963168 (VCV000963168.9), dbSNP rs1320514833, ClinGen allele CA354709405.
Genomic context (GRCh38, chr3:128,807,591, plus strand): 5'-TTCTTCTTTCAGGTGGCCACAAAGCGGGCACAGGCCTGGTGCTACAGCAAAAACAACATT[C>A]CCTACTTTGAGACCAGTGCCAAGGAGGCCATCAACGTGGAGCAGGCGTTCCAGACGATTG-3'
Protein context (NP_004628.4, residues 140-160): QAWCYSKNNI[Pro150Thr]YFETSAKEAI